The following is an entry in ClinVar:

ClinVar aggregate classification (germline): Uncertain significance (1 of 4 stars; one submission).

Conditions:
Early Myoclonic Encephalopathy. Identifiers: MedGen C0270855.

Allele frequency attached by ClinVar (database versions not stated): gnomAD exomes below 0.00001.
gnomAD v4.1: 5 of 1,614,214 alleles (0.00031%); highest among the groups gnomAD compares: South Asian, 0.0011%; no homozygotes.

Submission:

Labcorp Genetics (formerly Invitae), Labcorp
Classification: Uncertain significance for Early Myoclonic Encephalopathy. Last evaluated: 2020-10-23. Review status: criteria provided, single submitter. Criteria: Invitae Variant Classification Sherloc (09022015). Collection method: clinical testing. Allele origin: germline.
Comment: This sequence change replaces arginine with glycine at codon 715 of the JMJD1C protein (p.Arg715Gly). The arginine residue is moderately conserved and there is a moderate physicochemical difference between arginine and glycine. This variant is not present in population databases (ExAC no frequency). This variant has not been reported in the literature in individuals with JMJD1C-related conditions. Algorithms developed to predict the effect of missense changes on protein structure and function are either unavailable or do not agree on the potential impact of this missense change (SIFT: "Deleterious"; PolyPhen-2: "Possibly Damaging"; Align-GVGD: "Class C0"). In summary, the available evidence is currently insufficient to determine the role of this variant in disease. Therefore, it has been classified as a Variant of Uncertain Significance.

NM_032776.3(JMJD1C):c.2143A>G (p.Arg715Gly)

Gene: JMJD1C (jumonji domain containing 1C; minus strand). Cytogenetic location: 10q21.3.
Variant type: single nucleotide variant.
Coding change: c.2143A>G on transcript NM_032776.3 (MANE Select); coding-DNA position 2143, A replaced by G.
Protein change: p.Arg715Gly; replaces arginine 715 with glycine.
Molecular consequence: missense variant. On other transcripts: non-coding transcript variant (1).
Genome position (GRCh38, 1-based): chr10:63,214,024, T>C on the plus strand (A>G on the coding strand, the complement: JMJD1C is on the minus strand). VCF-style: chr10-63214024-T-C. GRCh37 (hg19) VCF-style: chr10-64973784-T-C.
Other names: c.1597A>G, p.Arg533Gly (NM_001282948.2, NM_001318154.2); c.1279A>G, p.Arg427Gly (NM_001318153.2); c.2029A>G, p.Arg677Gly (NM_001322252.2); c.1486A>G, p.Arg496Gly (NM_001322254.2, NM_001322258.2); short protein forms R427G, R496G, R533G, R677G, R715G.
Identifiers: ClinVar variation 846540 (VCV000846540.9), dbSNP rs1847672584, ClinGen allele CA377046599.
Genomic context (GRCh38, chr10:63,214,024, plus strand): 5'-GGCTTAGGAAAGGTGAAATATGATTAGCTCCTGTTTCTGACCCAATAAGTGCAGGATCTC[T>C]GTAAACTGTAAAATGCTCATTTTTATCAATGATAAGAGGACTCTTTGTAGTTTCTAATGT-3'
Protein context (NP_116165.1, residues 705-725): IDKNEHFTVY[Arg715Gly]DPALIGSETG